The following is an entry in ClinVar:

ClinVar aggregate classification (germline): Pathogenic. Review status: criteria provided, single submitter (1 of 4 stars). 3 submissions from 3 submitters: Pathogenic (1). 2 of the submissions do not count toward it. Last evaluated 2022-04-20.

Conditions:
Spermatogenic failure 58. Identifiers: MedGen C5562008, MONDO:0030463, OMIM 619585.
Multiple Morphological Anomalies of Sperm Flagella (MMAF).

Allele frequency attached by ClinVar (database versions not stated): gnomAD exomes below 0.00001.
gnomAD v4.1: 2 of 1,612,202 alleles (0.00012%); highest among the groups gnomAD compares: Non-Finnish European, 0.00017%; no homozygotes.

Submissions (3):

SIB Swiss Institute of Bioinformatics
Classification: Pathogenic for Spermatogenic failure 58. Last evaluated: 2022-04-20. Review status: criteria provided, single submitter. Criteria: ACMG Guidelines, 2015. Collection method: curation. Allele origin: unknown.
Comment: This variant is interpreted as pathogenic for Spermatogenic failure 58, autosomal recessive. The following ACMG Tag(s) were applied: Absent from controls (or at extremely low frequency if recessive) in Exome Sequencing Project, 1000 Genomes Project, or Exome Aggregation Consortium (PM2); For recessive disorders, detected in trans with a pathogenic variant (PM3); Multiple lines of computational evidence support a deleterious effect on the gene or gene product (PP3); Well-established functional studies show a deleterious effect (PS3); Protein length changes as a result of in-frame deletions/insertions in a nonrepeat region or stop-loss variants (PM4 downgraded to supporting).

OMIM
Classification: Pathogenic for SPERMATOGENIC FAILURE 58. Last evaluated: 2021-10-22. Review status: no assertion criteria provided. Collection method: literature only. Allele origin: germline. Not counted in ClinVar's aggregate classification.

Genetics of Infertility and Preimplantation Genetic Diagnosis, Centre Hospitalier Universitaire Grenoble Alpes
Classification: Pathogenic for Multiple Morphological Anomalies of Sperm Flagella (MMAF). Last evaluated: 2020-11-19. Review status: no assertion criteria provided. Collection method: clinical testing. Allele origin: inherited. Inheritance: Autosomal recessive inheritance. Affected: no. Observed: 1 variant allele, 1 homozygote. Not counted in ClinVar's aggregate classification.
Comment: Patients with this variant (homozygous) are infertile due to flagelar anomalies.

Literature cited by the submitters: PubMed 33689014 (cited by SIB Swiss Institute of Bioinformatics and OMIM).

NM_025103.4(IFT74):c.256G>A (p.Gly86Ser)

Gene: IFT74 (intraflagellar transport 74; plus strand). Cytogenetic location: 9p21.2.
Variant type: single nucleotide variant.
Coding change: c.256G>A on transcript NM_025103.4 (MANE Select); coding-DNA position 256, G replaced by A.
Protein change: p.Gly86Ser; replaces glycine 86 with serine.
Molecular consequence: missense variant.
Genome position (GRCh38, 1-based): chr9:26,978,263, G>A. VCF-style: chr9-26978263-G-A. GRCh37 (hg19) VCF-style: chr9-26978261-G-A.
Other names: c.256G>A, p.Gly86Ser (NM_001099223.3, NM_001099224.3, NM_001349928.2 and 1 more transcripts); short protein forms G86S.
Identifiers: ClinVar variation 997008 (VCV000997008.5), dbSNP rs2131525662, ClinGen allele CA373124141.